The following is an entry in ClinVar:

NM_001288705.3(CSF1R):c.1716C>T (p.Asn572=)

Gene: CSF1R (colony stimulating factor 1 receptor; minus strand). Cytogenetic location: 5q32.
Variant type: single nucleotide variant.
Coding change: c.1716C>T on transcript NM_001288705.3 (MANE Select); coding-DNA position 1716, C replaced by T.
Protein change: p.Asn572=; no amino-acid change (asparagine 572 retained).
Molecular consequence: synonymous variant. On other transcripts: non-coding transcript variant (2).
Genome position (GRCh38, 1-based): chr5:150,061,760, G>A on the plus strand (C>T on the coding strand, the complement: CSF1R is on the minus strand). VCF-style: chr5-150061760-G-A. GRCh37 (hg19) VCF-style: chr5-149441323-G-A.
Other names: c.1716C>T, p.Asn572= (NM_001349736.2, NM_001375320.1, NM_005211.4); c.1272C>T, p.Asn424= (NM_001375321.1).
Identifiers: ClinVar variation 352144 (VCV000352144.11), dbSNP rs772750557, ClinGen allele CA3506731.

ClinVar aggregate classification (germline): Conflicting classifications of pathogenicity. Review status: criteria provided, conflicting classifications (1 of 4 stars). 4 submissions from 4 submitters: Uncertain significance (1); Likely benign (3). Last evaluated 2026-09-01.

Conditions:
Hereditary diffuse leukoencephalopathy with spheroids. Also called: LEUKOENCEPHALOPATHY, ADULT-ONSET, WITH AXONAL SPHEROIDS AND PIGMENTED GLIA. Identifiers: Orphanet 313808, MedGen C3711381, MONDO:0030796.

Allele frequency attached by ClinVar (database versions not stated): ExAC 0.00001; TOPMed 0.00015; gnomAD 0.00017.
gnomAD v4.1: 51 of 1,614,090 alleles (0.0032%); highest among the groups gnomAD compares: Admixed American, 0.063%; no homozygotes.

Submissions (4):

CeGaT Center for Human Genetics Tuebingen
Classification: Likely benign. Last evaluated: 2026-09-01. Review status: criteria provided, single submitter. Criteria: CeGaT Center For Human Genetics Tuebingen Variant Classification Criteria Version 2. Collection method: clinical testing. Allele origin: germline. Affected: yes. Observed: 1 variant allele.
Comment: CSF1R: BP4, BP7

Women's Health and Genetics/Laboratory Corporation of America, LabCorp
Classification: Likely benign. Last evaluated: 2026-03-17. Review status: criteria provided, single submitter. Criteria: LabCorp Variant Classification Summary - May 2015. Collection method: clinical testing. Allele origin: germline.

Labcorp Genetics (formerly Invitae), Labcorp
Classification: Likely benign. Last evaluated: 2025-08-05. Review status: criteria provided, single submitter. Criteria: Invitae Variant Classification Sherloc (09022015). Collection method: clinical testing. Allele origin: germline.

Illumina Laboratory Services, Illumina
Classification: Uncertain significance for Leukoencephalopathy, diffuse hereditary, with spheroids 1. Last evaluated: 2018-01-13. Review status: criteria provided, single submitter. Criteria: ICSL Variant Classification Criteria 13 December 2019. Collection method: clinical testing. Allele origin: germline.